The following is an entry in ClinVar:

NM_001122630.2(CDKN1C):c.598G>T (p.Ala200Ser)

Gene: CDKN1C (cyclin dependent kinase inhibitor 1C; minus strand). Cytogenetic location: 11p15.4.
Variant type: single nucleotide variant.
Coding change: c.598G>T on transcript NM_001122630.2 (MANE Select); coding-DNA position 598, G replaced by T.
Protein change: p.Ala200Ser; replaces alanine 200 with serine.
Molecular consequence: missense variant. On other transcripts: intron variant (1).
Genome position (GRCh38, 1-based): chr11:2,884,859, C>A on the plus strand (G>T on the coding strand, the complement: CDKN1C is on the minus strand). VCF-style: chr11-2884859-C-A. GRCh37 (hg19) VCF-style: chr11-2906089-C-A.
Other names: c.631G>T, p.Ala211Ser (NM_000076.2, NM_001362474.2); c.598G>T, p.Ala200Ser (NM_001122631.2); c.255+343G>T (NM_001362475.2); short protein forms A200S, A211S.
Identifiers: ClinVar variation 2878088 (VCV002878088.3), dbSNP rs1060500178, ClinGen allele CA379146202.

ClinVar aggregate classification (germline): Uncertain significance (1 of 4 stars; one submission).

Conditions:
Beckwith-Wiedemann syndrome (BWS). Also called: Exomphalos macroglossia gigantism syndrome; EMG SYNDROME. Identifiers: Orphanet 116, MedGen C0004903, MONDO:0007534, OMIM 130650.

Submission:

Labcorp Genetics (formerly Invitae), Labcorp
Classification: Uncertain significance for Beckwith-Wiedemann syndrome. Last evaluated: 2023-06-23. Review status: criteria provided, single submitter. Criteria: Invitae Variant Classification Sherloc (09022015). Collection method: clinical testing. Allele origin: germline.
Comment: This sequence change replaces alanine, which is neutral and non-polar, with serine, which is neutral and polar, at codon 211 of the CDKN1C protein (p.Ala211Ser). The frequency data for this variant in the population databases is considered unreliable, as metrics indicate insufficient coverage at this position in the gnomAD database. This variant has not been reported in the literature in individuals affected with CDKN1C-related conditions. Advanced modeling of protein sequence and biophysical properties (such as structural, functional, and spatial information, amino acid conservation, physicochemical variation, residue mobility, and thermodynamic stability) performed at Invitae indicates that this missense variant is not expected to disrupt CDKN1C protein function. In summary, the available evidence is currently insufficient to determine the role of this variant in disease. Therefore, it has been classified as a Variant of Uncertain Significance.